The following is an entry in ClinVar:

ClinVar aggregate classification (germline): Conflicting classifications of pathogenicity. Review status: criteria provided, conflicting classifications (1 of 4 stars). 5 submissions from 5 submitters: Uncertain significance (4); Likely benign (1). Last evaluated 2025-08-04.

Conditions:
Inborn genetic diseases. Identifiers: MedGen C0950123, MeSH D030342.
Myopathy, lactic acidosis, and sideroblastic anemia 2 (MLASA2). Identifiers: Orphanet 2598, MedGen C3150802, MONDO:0013307, OMIM 613561.

Allele frequency attached by ClinVar (database versions not stated): TOPMed 0.00005; ExAC 0.00007; gnomAD 0.00007 and 0.00009; gnomAD exomes 0.00008; ESP Exome Variant Server 0.00015.
gnomAD v4.1: 248 of 1,614,150 alleles (0.015%); highest among the groups gnomAD compares: Non-Finnish European, 0.021%; no homozygotes.

Submissions (5):

Ambry Genetics
Classification: Uncertain significance for Inborn genetic diseases. Last evaluated: 2025-08-04. Review status: criteria provided, single submitter. Criteria: Ambry Variant Classification Scheme 2023. Collection method: clinical testing. Allele origin: germline.

Labcorp Genetics (formerly Invitae), Labcorp
Classification: Uncertain significance. Last evaluated: 2022-10-01. Review status: criteria provided, single submitter. Criteria: Invitae Variant Classification Sherloc (09022015). Collection method: clinical testing. Allele origin: germline.
Comment: This sequence change replaces glycine, which is neutral and non-polar, with serine, which is neutral and polar, at codon 68 of the YARS2 protein (p.Gly68Ser). This variant is present in population databases (rs150304121, gnomAD 0.01%). This variant has not been reported in the literature in individuals affected with YARS2-related conditions. ClinVar contains an entry for this variant (Variation ID: 215418). Advanced modeling of protein sequence and biophysical properties (such as structural, functional, and spatial information, amino acid conservation, physicochemical variation, residue mobility, and thermodynamic stability) performed at Invitae indicates that this missense variant is not expected to disrupt YARS2 protein function. Algorithms developed to predict the effect of sequence changes on RNA splicing suggest that this variant may create or strengthen a splice site. In summary, the available evidence is currently insufficient to determine the role of this variant in disease. Therefore, it has been classified as a Variant of Uncertain Significance.

Revvity Omics, Revvity
Classification: Uncertain significance for Myopathy, lactic acidosis, and sideroblastic anemia 2. Last evaluated: 2021-10-01. Review status: criteria provided, single submitter. Criteria: ACMG Guidelines, 2015. Collection method: clinical testing. Allele origin: germline.

Illumina Laboratory Services, Illumina
Classification: Uncertain significance for Myopathy, lactic acidosis, and sideroblastic anemia 2. Last evaluated: 2018-01-12. Review status: criteria provided, single submitter. Criteria: ICSL Variant Classification Criteria 13 December 2019. Collection method: clinical testing. Allele origin: germline.

GeneDx
Classification: Likely benign. Last evaluated: 2013-11-19. Review status: criteria provided, single submitter. Criteria: GeneDx Variant Classification (06012015). Collection method: clinical testing. Allele origin: germline. Affected: yes.
Comment: This variant is considered likely benign or benign based on one or more of the following criteria: it is a conservative change, it occurs at a poorly conserved position in the protein, it is predicted to be benign by multiple in silico algorithms, and/or has population frequency not consistent with disease.

NM_001040436.3(YARS2):c.202G>A (p.Gly68Ser)

Gene: YARS2 (tyrosyl-tRNA synthetase 2; minus strand). Cytogenetic location: 12p11.21.
Variant type: single nucleotide variant.
Coding change: c.202G>A on transcript NM_001040436.3 (MANE Select); coding-DNA position 202, G replaced by A.
Protein change: p.Gly68Ser; replaces glycine 68 with serine.
Molecular consequence: missense variant.
Genome position (GRCh38, 1-based): chr12:32,755,673, C>T on the plus strand (G>A on the coding strand, the complement: YARS2 is on the minus strand). VCF-style: chr12-32755673-C-T. GRCh37 (hg19) VCF-style: chr12-32908607-C-T.
Other names: short protein forms G68S.
Identifiers: ClinVar variation 215418 (VCV000215418.9), dbSNP rs150304121, ClinGen allele CA320106.